The following is an entry in ClinVar:

NM_006734.4(HIVEP2):c.6193A>G (p.Ile2065Val)

Gene: HIVEP2 (HIVEP zinc finger 2; minus strand). Cytogenetic location: 6q24.2.
Variant type: single nucleotide variant.
Coding change: c.6193A>G on transcript NM_006734.4 (MANE Select); coding-DNA position 6193, A replaced by G.
Protein change: p.Ile2065Val; replaces isoleucine 2065 with valine.
Molecular consequence: missense variant.
Genome position (GRCh38, 1-based): chr6:142,760,095, T>C on the plus strand (A>G on the coding strand, the complement: HIVEP2 is on the minus strand). VCF-style: chr6-142760095-T-C. GRCh37 (hg19) VCF-style: chr6-143081232-T-C.
Other names: short protein forms I2065V.
Identifiers: ClinVar variation 3631069 (VCV003631069.2).

ClinVar aggregate classification (germline): Uncertain significance (1 of 4 stars; one submission).

gnomAD v4.1: 1 of 1,614,148 alleles (0.000062%); highest among the groups gnomAD compares: African/African-American, 0.0013%; no homozygotes.

Submission:

Labcorp Genetics (formerly Invitae), Labcorp
Classification: Uncertain significance. Last evaluated: 2024-01-31. Review status: criteria provided, single submitter. Criteria: Invitae Variant Classification Sherloc (09022015). Collection method: clinical testing. Allele origin: germline.
Comment: This sequence change replaces isoleucine, which is neutral and non-polar, with valine, which is neutral and non-polar, at codon 2065 of the HIVEP2 protein (p.Ile2065Val). This variant is not present in population databases (gnomAD no frequency). This variant has not been reported in the literature in individuals affected with HIVEP2-related conditions. Advanced modeling of protein sequence and biophysical properties (such as structural, functional, and spatial information, amino acid conservation, physicochemical variation, residue mobility, and thermodynamic stability) performed at Invitae indicates that this missense variant is not expected to disrupt HIVEP2 protein function with a negative predictive value of 80%. In summary, the available evidence is currently insufficient to determine the role of this variant in disease. Therefore, it has been classified as a Variant of Uncertain Significance.